The following is an entry in ClinVar:

NM_001849.4(COL6A2):c.696C>G (p.Asn232Lys)

Gene: COL6A2 (collagen type VI alpha 2 chain; plus strand). Cytogenetic location: 21q22.3.
Variant type: single nucleotide variant.
Coding change: c.696C>G on transcript NM_001849.4 (MANE Select); coding-DNA position 696, C replaced by G.
Protein change: p.Asn232Lys; replaces asparagine 232 with lysine.
Molecular consequence: missense variant.
Genome position (GRCh38, 1-based): chr21:46,112,559, C>G. VCF-style: chr21-46112559-C-G. GRCh37 (hg19) VCF-style: chr21-47532473-C-G.
Other names: c.696C>G, p.Asn232Lys (NM_058174.3, NM_058175.3); short protein forms N232K.
Identifiers: ClinVar variation 4886192 (VCV004886192.2).

ClinVar aggregate classification (germline): Uncertain significance (1 of 4 stars; one submission).

Submission:

Dasa
Classification: Uncertain significance. Last evaluated: 2025-09-15. Review status: criteria provided, single submitter. Criteria: DASA Assertion Criteria. Collection method: clinical testing. Allele origin: germline.
Comment: NM_001849.4(COL6A2):c.696C>G (p.Asn232Lys) is a missense variant that results in the substitution of asparagine with lysine. This variant is absent from population databases. The currently available literature and clinical evidence are not sufficient to establish a definitive association between this variant and the reported condition. Therefore, this variant is classified as a variant of uncertain significance.